The following is an entry in ClinVar:

NM_001379500.1(COL18A1):c.1825G>A (p.Ala609Thr)

Gene: COL18A1 (collagen type XVIII alpha 1 chain; plus strand). Cytogenetic location: 21q22.3.
Variant type: single nucleotide variant.
Coding change: c.1825G>A on transcript NM_001379500.1 (MANE Select); coding-DNA position 1825, G replaced by A.
Protein change: p.Ala609Thr; replaces alanine 609 with threonine.
Molecular consequence: missense variant.
Genome position (GRCh38, 1-based): chr21:45,486,984, G>A. VCF-style: chr21-45486984-G-A. GRCh37 (hg19) VCF-style: chr21-46906898-G-A.
Other names: NM_130445.2:c.1825G>A; c.2365G>A, p.Ala789Thr (NM_030582.4); c.3070G>A, p.Ala1024Thr (NM_130444.3); short protein forms A1024T, A609T, A789T.
Identifiers: ClinVar variation 1329498 (VCV001329498.9), dbSNP rs552119369, ClinGen allele CA10066546.

ClinVar aggregate classification (germline): Conflicting classifications of pathogenicity. Review status: criteria provided, conflicting classifications (1 of 4 stars). 4 submissions from 4 submitters: Uncertain significance (3); Likely benign (1). Last evaluated 2026-01-19.

Conditions:
Knobloch syndrome (KNO). Also called: Myopia retinal detachment encephalocele; RETINAL DETACHMENT AND OCCIPITAL ENCEPHALOCELE. Identifiers: Orphanet 1571, MedGen C1849409, MONDO:0800166.
Inborn genetic diseases. Identifiers: MedGen C0950123, MeSH D030342.

Allele frequency attached by ClinVar (database versions not stated): gnomAD exomes 0.00009; ExAC 0.00025; 1000 Genomes Project 30x 0.00016; 1000 Genomes Project 0.00020.
gnomAD v4.1: 51 of 1,521,102 alleles (0.0034%); highest among the groups gnomAD compares: South Asian, 0.032%; no homozygotes.

Submissions (4):

Labcorp Genetics (formerly Invitae), Labcorp
Classification: Uncertain significance. Last evaluated: 2026-01-19. Review status: criteria provided, single submitter. Criteria: Invitae Variant Classification Sherloc (09022015). Collection method: clinical testing. Allele origin: germline.
Comment: This sequence change replaces alanine, which is neutral and non-polar, with threonine, which is neutral and polar, at codon 609 of the COL18A1 protein (p.Ala609Thr). The frequency data for this variant in the population databases is considered unreliable, as metrics indicate poor data quality at this position in the gnomAD database. This variant has not been reported in the literature in individuals affected with COL18A1-related conditions. ClinVar contains an entry for this variant (Variation ID: 1329498). Experimental studies and prediction algorithms are not available or were not evaluated, and the functional significance of this variant is currently unknown. In summary, the available evidence is currently insufficient to determine the role of this variant in disease. Therefore, it has been classified as a Variant of Uncertain Significance.

Blueprint Genetics
Classification: Likely benign. Last evaluated: 2024-05-22. Review status: criteria provided, single submitter. Criteria: ACMG Guidelines, 2015. Collection method: clinical testing. Allele origin: germline.

Ambry Genetics
Classification: Uncertain significance for Inborn genetic diseases. Last evaluated: 2024-01-16. Review status: criteria provided, single submitter. Criteria: Ambry Variant Classification Scheme 2023. Collection method: clinical testing. Allele origin: germline.

Diagnostics Services (NGS), CSIR - Centre For Cellular And Molecular Biology
Classification: Uncertain significance for Knobloch syndrome 1. Last evaluated: 2021-12-06. Review status: criteria provided, single submitter. Criteria: ACMG Guidelines, 2015. Collection method: clinical testing. Allele origin: unknown. Inheritance: Autosomal recessive inheritance. Affected: yes. Observed: 1 variant allele, 1 compound heterozygote.
Comment: The c.2365G>A variant is not present in publicly available population databases like EVS. The heterozygous state of the variant is present in 1000 Genomes, ExAC, gnomAD and dbSNP at a very low frequency. The variant is not present in Indian Exome Database and in our in-house exome database. The variant was not earlier reported to ClinVar, HGMD or OMIM databases in any affected individuals. Predictions from different in-silico pathogenicity prediction programs like SIFT, PolyPhen-2, MutationTaster2, CADD, Varsome etc. are contradictory, however these predictions have not been confirmed by any published functional studies.